The following is an entry in ClinVar:

ClinVar aggregate classification (germline): Likely pathogenic (1 of 4 stars; one submission).

Submission:

Labcorp Genetics (formerly Invitae), Labcorp
Classification: Likely pathogenic. Last evaluated: 2018-11-11. Review status: criteria provided, single submitter. Criteria: Invitae Variant Classification Sherloc (09022015). Collection method: clinical testing. Allele origin: germline.
Comment: In summary, the currently available evidence indicates that the variant is pathogenic, but additional data are needed to prove that conclusively. Therefore, this variant has been classified as Likely Pathogenic. Donor and acceptor splice site variants typically lead to a loss of protein function (PMID: 16199547), and loss-of-function variants in LRPPRC are known to be pathogenic (PMID: 26510951). Algorithms developed to predict the effect of sequence changes on RNA splicing suggest that this variant may disrupt the consensus splice site, but this prediction has not been confirmed by published transcriptional studies. This variant has not been reported in the literature in individuals with LRPPRC-related disease. This variant is not present in population databases (ExAC no frequency). This sequence change affects a donor splice site in intron 3 of the LRPPRC gene. It is expected to disrupt RNA splicing and likely results in an absent or disrupted protein product.

Literature cited by the submitters: PubMed 16199547; PubMed 26510951.

NM_133259.4(LRPPRC):c.469+1G>C

Gene: LRPPRC (leucine rich pentatricopeptide repeat containing; minus strand). Cytogenetic location: 2p21.
Variant type: single nucleotide variant.
Coding change: c.469+1G>C on transcript NM_133259.4 (MANE Select); the canonical splice donor site of the intron after coding-DNA position 469, G replaced by C.
Molecular consequence: splice donor variant.
Genome position (GRCh38, 1-based): chr2:43,979,825, C>G on the plus strand (G>C on the coding strand, the complement: LRPPRC is on the minus strand). VCF-style: chr2-43979825-C-G. GRCh37 (hg19) VCF-style: chr2-44206964-C-G.
Identifiers: ClinVar variation 649674 (VCV000649674.7), dbSNP rs1060499785, ClinGen allele CA346677103.